The following is an entry in ClinVar:

ClinVar aggregate classification (germline): Likely pathogenic. Review status: criteria provided, single submitter (1 of 4 stars). 2 submissions from 2 submitters: Likely pathogenic (1). 1 of the submissions does not count toward it. Last evaluated 2023-05-23.

Conditions:
ABCC2-related disorder. Also called: ABCC2-related condition.
Dubin-Johnson syndrome (DJS). Also called: Jaundice, Chronic Idiopathic; Hyperbilirubinemia type 2; HYPERBILIRUBINEMIA, DUBIN-JOHNSON TYPE. Identifiers: Orphanet 234, MedGen C0022350, MONDO:0009380, OMIM 237500.

Allele frequency attached by ClinVar (database versions not stated): gnomAD 0.00001.
gnomAD v4.1: 3 of 1,610,070 alleles (0.00019%); highest among the groups gnomAD compares: East Asian, 0.0067%; no homozygotes.

Submissions (2):

PreventionGenetics, part of Exact Sciences
Classification: Likely pathogenic for ABCC2-related condition. Last evaluated: 2023-05-23. Review status: criteria provided, single submitter. Criteria: ACMG Guidelines, 2015. Collection method: clinical testing. Allele origin: germline.
Comment: The ABCC2 c.4145A>G variant is predicted to result in the amino acid substitution p.Gln1382Arg. This variant was reported in the compound heterozygous state in an individual with Dubin-Johnson syndrome (Patient DJ9, Toh et al. 1999. PubMed ID: 10053008). Function studies showed that this variant impacts protein function (Hashimoto et al. 2002. PubMed ID: 12395335). This variant is reported in 0.064% of alleles in individuals of East Asian descent in gnomAD. This variant is interpreted as likely pathogenic.

OMIM
Classification: Pathogenic for DUBIN-JOHNSON SYNDROME. Last evaluated: 1999-03-01. Review status: no assertion criteria provided. Collection method: literature only. Allele origin: germline. Not counted in ClinVar's aggregate classification.

Literature cited by the submitters: PubMed 10053008 (cited by OMIM).

NM_000392.5(ABCC2):c.4145A>G (p.Gln1382Arg)

Gene: ABCC2 (ATP binding cassette subfamily C member 2; plus strand). Cytogenetic location: 10q24.2.
Variant type: single nucleotide variant.
Coding change: c.4145A>G on transcript NM_000392.5 (MANE Select); coding-DNA position 4145, A replaced by G.
Protein change: p.Gln1382Arg; replaces glutamine 1382 with arginine.
Molecular consequence: missense variant.
Genome position (GRCh38, 1-based): chr10:99,845,781, A>G. VCF-style: chr10-99845781-A-G. GRCh37 (hg19) VCF-style: chr10-101605538-A-G.
Other names: c.4145A>G, p.Gln1382Arg (LRG_1208t1); c.4145A>G (NM_000392.4); short protein forms Q1382R.
Identifiers: ClinVar variation 8416 (VCV000008416.2), dbSNP rs72558202, ClinGen allele CA119599.
Genomic context (GRCh38, chr10:99,845,781, plus strand): 5'-GAGTAGATATTGCTTCCATTGGGCTCCACGACCTCCGAGAGAAGCTGACCATCATCCCCC[A>G]GGTGAGCTCTAGAACTTACTCGGGCACATGCCGTGGGGAGCAGCTTGTTTTACAGGAAAC-3'
Protein context (NP_000383.2, residues 1372-1392): DLREKLTIIP[Gln1382Arg]DPILFSGSLR